The following is an entry in ClinVar:

NM_001458.5(FLNC):c.2140A>G (p.Ile714Val)

Genes: FLNC (filamin C; plus strand), LOC129999273 (ATAC-STARR-seq lymphoblastoid silent region 18616; plus strand). Cytogenetic location: 7q32.1.
Variant type: single nucleotide variant.
Coding change: c.2140A>G on transcript NM_001458.5 (MANE Select); coding-DNA position 2140, A replaced by G.
Protein change: p.Ile714Val; replaces isoleucine 714 with valine.
Molecular consequence: missense variant.
Genome position (GRCh38, 1-based): chr7:128,842,249, A>G. VCF-style: chr7-128842249-A-G. GRCh37 (hg19) VCF-style: chr7-128482303-A-G.
Other names: c.2140A>G, p.Ile714Val (NM_001127487.2); short protein forms I714V.
Identifiers: ClinVar variation 2450910 (VCV002450910.5), dbSNP rs373212534, ClinGen allele CA4474617.

ClinVar aggregate classification (germline): Conflicting classifications of pathogenicity. Review status: criteria provided, conflicting classifications (1 of 4 stars). 2 submissions from 2 submitters: Uncertain significance (1); Likely benign (1). Last evaluated 2025-10-07.

Conditions:
Cardiovascular phenotype. Identifiers: MedGen CN230736.
Distal myopathy with posterior leg and anterior hand involvement. Also called: WILLIAMS DISTAL MYOPATHY. Identifiers: Orphanet 63273, MedGen C3279722, MONDO:0013550, OMIM 614065.
Hypertrophic cardiomyopathy 26. Also called: Cardiomyopathy, familial hypertrophic, 26. Identifiers: Orphanet 75249, MedGen C4310749, MONDO:0014883, OMIM 617047.
Myofibrillar myopathy 5. Also called: FILAMINOPATHY, AUTOSOMAL DOMINANT; Filaminopathy (type). Identifiers: Orphanet 171445, MedGen C1836050, MONDO:0012289, OMIM 609524.

Allele frequency attached by ClinVar (database versions not stated): gnomAD exomes 0.00001; ExAC 0.00002; gnomAD 0.00003; TOPMed 0.00004; ESP Exome Variant Server 0.00008.
gnomAD v4.1: 9 of 1,613,616 alleles (0.00056%); highest among the groups gnomAD compares: African/African-American, 0.0067%; no homozygotes.

Submissions (2):

Labcorp Genetics (formerly Invitae), Labcorp
Classification: Likely benign for Distal myopathy with posterior leg and anterior hand involvement; Myofibrillar myopathy 5; Hypertrophic cardiomyopathy 26. Last evaluated: 2025-10-07. Review status: criteria provided, single submitter. Criteria: Invitae Variant Classification Sherloc (09022015). Collection method: clinical testing. Allele origin: germline.

Ambry Genetics
Classification: Uncertain significance for Cardiovascular phenotype. Last evaluated: 2023-02-28. Review status: criteria provided, single submitter. Criteria: Ambry Variant Classification Scheme 2023. Collection method: clinical testing. Allele origin: germline.
Comment: The p.I714V variant (also known as c.2140A>G), located in coding exon 14 of the FLNC gene, results from an A to G substitution at nucleotide position 2140. The isoleucine at codon 714 is replaced by valine, an amino acid with highly similar properties. This amino acid position is conserved. In addition, this alteration is predicted to be tolerated by in silico analysis. Since supporting evidence is limited at this time, the clinical significance of this alteration remains unclear.